The following is an entry in ClinVar:

ClinVar aggregate classification (germline): Uncertain significance (1 of 4 stars; one submission).

Conditions:
X-linked Emery-Dreifuss muscular dystrophy. Also called: Muscular dystrophy, tardive Emery-Dreifuss type, with contractures. Identifiers: Orphanet 261, Orphanet 98863, MedGen C0751337, MONDO:0010680.

Submission:

Labcorp Genetics (formerly Invitae), Labcorp
Classification: Uncertain significance for X-linked Emery-Dreifuss muscular dystrophy. Last evaluated: 2021-08-29. Review status: criteria provided, single submitter. Criteria: Invitae Variant Classification Sherloc (09022015). Collection method: clinical testing. Allele origin: germline.
Comment: This sequence change replaces proline with serine at codon 224 of the EMD protein (p.Pro224Ser). The proline residue is highly conserved and there is a moderate physicochemical difference between proline and serine. In summary, the available evidence is currently insufficient to determine the role of this variant in disease. Therefore, it has been classified as a Variant of Uncertain Significance. Algorithms developed to predict the effect of missense changes on protein structure and function are either unavailable or do not agree on the potential impact of this missense change (SIFT: "Deleterious"; PolyPhen-2: "Probably Damaging"; Align-GVGD: "Class C0"). This variant has not been reported in the literature in individuals affected with EMD-related conditions. This variant is not present in population databases (ExAC no frequency).

NM_000117.3(EMD):c.670C>T (p.Pro224Ser)

Gene: EMD (emerin; plus strand). Cytogenetic location: Xq28.
Variant type: single nucleotide variant.
Coding change: c.670C>T on transcript NM_000117.3 (MANE Select); coding-DNA position 670, C replaced by T.
Protein change: p.Pro224Ser; replaces proline 224 with serine.
Molecular consequence: missense variant.
Genome position (GRCh38, 1-based): chrX:154,381,102, C>T. VCF-style: chrX-154381102-C-T. GRCh37 (hg19) VCF-style: chrX-153609462-C-T.
Other names: short protein forms P224S.
Identifiers: ClinVar variation 1465080 (VCV001465080.6), dbSNP rs1557182687, ClinGen allele CA415259178.